The following is an entry in ClinVar:

NM_000059.4(BRCA2):c.2231C>A (p.Ser744Ter)

Gene: BRCA2 (BRCA2 DNA repair associated; plus strand). Cytogenetic location: 13q13.1.
Variant type: single nucleotide variant.
Coding change: c.2231C>A on transcript NM_000059.4 (MANE Select); coding-DNA position 2231, C replaced by A.
Protein change: p.Ser744Ter; replaces serine 744 with a stop codon.
Molecular consequence: nonsense.
Genome position (GRCh38, 1-based): chr13:32,336,586, C>A. VCF-style: chr13-32336586-C-A. GRCh37 (hg19) VCF-style: chr13-32910723-C-A.
Other names: short protein forms S744*.
Identifiers: ClinVar variation 233389 (VCV000233389.15), dbSNP rs397507282, ClinGen allele CA10579530.

ClinVar aggregate classification (germline): Pathogenic. Review status: reviewed by expert panel (3 of 4 stars). 3 submissions from 3 submitters: Pathogenic (1). 2 of the submissions do not count toward it. Last evaluated 2017-12-15.

Conditions:
Hereditary cancer-predisposing syndrome. Also called: Tumor predisposition; Hereditary Cancer Syndrome; Hereditary neoplastic syndrome; Neoplastic Syndromes, Hereditary. Identifiers: Orphanet 140162, MedGen C0027672, MeSH D009386, MONDO:0015356.
Hereditary breast ovarian cancer syndrome. Also called: Hereditary breast and ovarian cancer; Breast and ovarian cancer; BRCA1- and BRCA2-Associated Hereditary Breast and Ovarian Cancer; Hereditary breast and ovarian cancer syndrome; Hereditary breast and ovarian cancer syndrome (HBOC); Hereditary breast and/or ovarian cancer syndrome. Identifiers: Orphanet 145, MedGen C0677776, MeSH D061325, MONDO:0003582. Disease mechanism: loss of function.
Breast-ovarian cancer, familial, susceptibility to, 2 (BROVCA2). Also called: BRCA2 Hereditary Breast and Ovarian Cancer. Identifiers: Orphanet 145, MedGen C2675520, MONDO:0012933, OMIM 612555. Disease mechanism: loss of function.

gnomAD v4.1: 1 of 1,613,964 alleles (0.000062%); highest among the groups gnomAD compares: South Asian, 0.0011%; no homozygotes.

Submissions (3):

Evidence-based Network for the Interpretation of Germline Mutant Alleles (ENIGMA)
Classification: Pathogenic for Breast-ovarian cancer, familial, susceptibility to, 2. Last evaluated: 2017-12-15. Review status: reviewed by expert panel. Criteria: ENIGMA BRCA1/2 Classification Criteria (2017-06-29). Collection method: curation. Allele origin: germline. Study: ENIGMA.
Comment: Variant allele predicted to encode a truncated non-functional protein.

Labcorp Genetics (formerly Invitae), Labcorp
Classification: Pathogenic for Hereditary breast ovarian cancer syndrome. Last evaluated: 2019-05-12. Review status: criteria provided, single submitter. Criteria: Invitae Variant Classification Sherloc (09022015). Collection method: clinical testing. Allele origin: germline. Not counted in ClinVar's aggregate classification.
Comment: This sequence change creates a premature translational stop signal (p.Ser744*) in the BRCA2 gene. It is expected to result in an absent or disrupted protein product. This variant is not present in population databases (ExAC no frequency). This variant has not been reported in the literature in individuals with BRCA2-related conditions. However, a different variant (c.2231C>G) giving rise to the same protein effect observed here (p.Ser744*) has been observed in at least one individual affected breast cancer (PMID: 22535016). ClinVar contains an entry for this variant (Variation ID: 233389). Loss-of-function variants in BRCA2 are known to be pathogenic (PMID: 20104584). For these reasons, this variant has been classified as Pathogenic.

Ambry Genetics
Classification: Pathogenic for Hereditary cancer-predisposing syndrome. Last evaluated: 2015-08-11. Review status: criteria provided, single submitter. Criteria: Ambry Variant Classification Scheme 2023. Collection method: clinical testing. Allele origin: germline. Not counted in ClinVar's aggregate classification.
Comment: The p.S744* pathogenic mutation (also known as c.2231C>A and 2459C>A), located in coding exon 10 of the BRCA2 gene, results from a C to A substitution at nucleotide position 2231. This changes the amino acid from a serine to a stop codon within coding exon 10. Since premature stop codons are typically deleterious in nature, this alteration is interpreted as a disease-causing mutation (ACMG Recommendations for Standards for Interpretation and Reporting of Sequence Variations. Revision 2007. Genet Med. 2008;10:294).

Literature cited by the submitters: PubMed 22535016 (cited by Labcorp Genetics (formerly Invitae), Labcorp and Ambry Genetics); PubMed 20104584 (cited by Labcorp Genetics (formerly Invitae), Labcorp).